The following is an entry in ClinVar:

NM_024675.4(PALB2):c.2172T>G (p.Cys724Trp)

Gene: PALB2 (partner and localizer of BRCA2; minus strand). Cytogenetic location: 16p12.2.
Variant type: single nucleotide variant.
Coding change: c.2172T>G on transcript NM_024675.4 (MANE Select); coding-DNA position 2172, T replaced by G.
Protein change: p.Cys724Trp; replaces cysteine 724 with tryptophan.
Molecular consequence: missense variant. On other transcripts: intron variant (1).
Genome position (GRCh38, 1-based): chr16:23,629,982, A>C on the plus strand (T>G on the coding strand, the complement: PALB2 is on the minus strand). VCF-style: chr16-23629982-A-C. GRCh37 (hg19) VCF-style: chr16-23641303-A-C.
Other names: c.2112T>G, p.Cys704Trp (NM_001407296.1); c.2172T>G, p.Cys724Trp (NM_001407297.1, NM_001407298.1, NM_001407299.1 and 3 more transcripts); c.1287T>G, p.Cys429Trp (NM_001407304.1, NM_001407305.1, NM_001407306.1 and 5 more transcripts); c.384T>G, p.Cys128Trp (NM_001407312.1, NM_001407313.1); c.49-707T>G (NM_001407314.1); short protein forms C704W, C724W, C128W, C429W.
Identifiers: ClinVar variation 3709960 (VCV003709960.2).

ClinVar aggregate classification (germline): Uncertain significance (1 of 4 stars; one submission).

Conditions:
Familial cancer of breast. Also called: Hereditary breast cancer; BREAST CANCER, FAMILIAL; hereditary breast carcinoma. Identifiers: Orphanet 227535, MedGen C0346153, MONDO:0016419, OMIM 114480. Disease mechanism: loss of function.

Submission:

Labcorp Genetics (formerly Invitae), Labcorp
Classification: Uncertain significance for Familial cancer of breast. Last evaluated: 2024-10-27. Review status: criteria provided, single submitter. Criteria: Invitae Variant Classification Sherloc (09022015). Collection method: clinical testing. Allele origin: germline.
Comment: This sequence change replaces cysteine, which is neutral and slightly polar, with tryptophan, which is neutral and slightly polar, at codon 724 of the PALB2 protein (p.Cys724Trp). This variant is not present in population databases (gnomAD no frequency). This variant has not been reported in the literature in individuals affected with PALB2-related conditions. Invitae Evidence Modeling of protein sequence and biophysical properties (such as structural, functional, and spatial information, amino acid conservation, physicochemical variation, residue mobility, and thermodynamic stability) indicates that this missense variant is expected to disrupt PALB2 protein function with a positive predictive value of 80%. In summary, the available evidence is currently insufficient to determine the role of this variant in disease. Therefore, it has been classified as a Variant of Uncertain Significance.